The following is an entry in ClinVar:

ClinVar aggregate classification (germline): Benign/Likely benign. Review status: criteria provided, multiple submitters, no conflicts (2 of 4 stars). 5 submissions from 5 submitters: Benign (1); Likely benign (4). Last evaluated 2026-01-27.

Conditions:
Catecholaminergic polymorphic ventricular tachycardia 5 (CARDAR). Also called: Ventricular tachycardia, catecholaminergic polymorphic, 5, with or without muscle weakness; CARDIAC ARRHYTHMIA SYNDROME, WITH OR WITHOUT SKELETAL MUSCLE WEAKNESS. Identifiers: Orphanet 3286, MedGen C3809536, MONDO:0014191, OMIM 615441.
Catecholaminergic polymorphic ventricular tachycardia 1. Also called: RYR2-Related Catecholaminergic Polymorphic Ventricular Tachycardia; VENTRICULAR TACHYCARDIA, STRESS-INDUCED POLYMORPHIC 1; VENTRICULAR TACHYCARDIA, CATECHOLAMINERGIC POLYMORPHIC, 1, WITH OR WITHOUT ATRIAL DYSFUNCTION AND/OR DILATED CARDIOMYOPATHY. Identifiers: Orphanet 3286, MedGen C1631597, MONDO:0011484, OMIM 604772.

Allele frequency attached by ClinVar (database versions not stated): gnomAD exomes 0.00036 and 0.00087; ExAC 0.00140; 1000 Genomes Project 0.00300; 1000 Genomes Project 30x 0.00344; gnomAD 0.00419 and 0.00459; ESP Exome Variant Server 0.00421; TOPMed 0.00468.
gnomAD v4.1: 1,053 of 1,275,066 alleles (0.083%); highest among the groups gnomAD compares: African/African-American, 1.4%; 4 homozygotes.

Submissions (5):

Labcorp Genetics (formerly Invitae), Labcorp
Classification: Benign for Catecholaminergic polymorphic ventricular tachycardia 1. Last evaluated: 2026-01-27. Review status: criteria provided, single submitter. Criteria: Invitae Variant Classification Sherloc (09022015). Collection method: clinical testing. Allele origin: germline.

Women's Health and Genetics/Laboratory Corporation of America, LabCorp
Classification: Likely benign. Last evaluated: 2024-12-20. Review status: criteria provided, single submitter. Criteria: LabCorp Variant Classification Summary - May 2015. Collection method: clinical testing. Allele origin: germline.

Blueprint Genetics
Classification: Likely benign. Last evaluated: 2024-11-11. Review status: criteria provided, single submitter. Criteria: ACMG Guidelines, 2015. Collection method: clinical testing. Allele origin: germline.

ARUP Laboratories, Molecular Genetics and Genomics, ARUP Laboratories
Classification: Likely benign for Catecholaminergic polymorphic ventricular tachycardia 5. Last evaluated: 2024-07-30. Review status: criteria provided, single submitter. Criteria: ARUP Molecular Germline Variant Investigation Process 2024. Collection method: clinical testing. Allele origin: germline.

GeneDx
Classification: Likely benign. Last evaluated: 2017-11-29. Review status: criteria provided, single submitter. Criteria: GeneDx Variant Classification (06012015). Collection method: clinical testing. Allele origin: germline. Affected: yes.
Comment: This variant is considered likely benign or benign based on one or more of the following criteria: it is a conservative change, it occurs at a poorly conserved position in the protein, it is predicted to be benign by multiple in silico algorithms, and/or has population frequency not consistent with disease.

NM_006073.4(TRDN):c.1567+19T>C

Gene: TRDN (triadin; minus strand). Cytogenetic location: 6q22.31.
Variant type: single nucleotide variant.
Coding change: c.1567+19T>C on transcript NM_006073.4 (MANE Select); 19 bases into the intron after coding-DNA position 1567, T replaced by C.
Molecular consequence: intron variant.
Genome position (GRCh38, 1-based): chr6:123,278,299, A>G on the plus strand (T>C on the coding strand, the complement: TRDN is on the minus strand). VCF-style: chr6-123278299-A-G. GRCh37 (hg19) VCF-style: chr6-123599444-A-G.
Identifiers: ClinVar variation 389813 (VCV000389813.13), dbSNP rs182813107, ClinGen allele CA3983868.
Genomic context (GRCh38, chr6:123,278,299, plus strand): 5'-CATGACATTTGCAAAGAGATATTGTGCTATTTATTCTAAACATGGAAATCATATATGTGT[A>G]TAAATAAAATATACATACCTGGCTTCTCTTCCTTTTTTCCTTGTAGTTCTAAAAATATAG-3'